The following is an entry in ClinVar:

ClinVar aggregate classification (germline): Pathogenic (1 of 4 stars; one submission).

Conditions:
Duchenne muscular dystrophy (DMD). Also called: MUSCULAR DYSTROPHY, PSEUDOHYPERTROPHIC PROGRESSIVE, DUCHENNE TYPE; Duchenne Muscular Dystrophy (DMD). Identifiers: Orphanet 98896, MedGen C0013264, MONDO:0010679, OMIM 310200.

Submission:

Labcorp Genetics (formerly Invitae), Labcorp
Classification: Pathogenic for Duchenne muscular dystrophy. Last evaluated: 2017-05-16. Review status: criteria provided, single submitter. Criteria: Invitae Variant Classification Sherloc (09022015). Collection method: clinical testing. Allele origin: germline.
Comment: This variant is a gross duplication of the genomic region encompassing exons 50-55 of the DMD gene. While the exact position of the duplicated exons cannot be determined from this data, the duplicated copy of this region is likely in tandem and in-frame, therefore preserving the integrity of the reading frame. Duplication of exons 50-55 has been reported in the literature in individuals affected with Becker or Duchenne muscular dystrophy (PMID: 12111668, 16917894). In addition, family studies have indicated that this variant was not present in the parents of an individual with muscular dystrophy, which suggests that it was de novo in that affected individual (Invitae). For these reasons, this variant has been classified as Pathogenic.

NC_000023.10:g.(?_31627738)_(31838220_?)dup

Gene: DMD (dystrophin; minus strand). Cytogenetic location: Xp21.1.
Variant type: Duplication.
Identifiers: ClinVar variation 455801 (VCV000455801.1).